The following is an entry in ClinVar:

NC_000017.11:g.(?_43047623)_(43125483_?)del

Genes: BRCA1 (BRCA1 DNA repair associated; minus strand), LOC111589216 (BRCA1 intron 2 regulatory region; plus strand), LOC110485084 (BRCA1 intronic recombination region; plus strand), LOC111589215 (BRCA1 promoter region; plus strand), LOC126862571 (BRD4-independent group 4 enhancer GRCh37_chr17:41243136-41244335; plus strand). Cytogenetic location: 17q21.31.
Variant type: Deletion.
Identifiers: ClinVar variation 651258 (VCV000651258.3).

ClinVar aggregate classification (germline): Pathogenic (1 of 4 stars; one submission).

Conditions:
Hereditary breast ovarian cancer syndrome. Also called: Breast and ovarian cancer; BRCA1- and BRCA2-Associated Hereditary Breast and Ovarian Cancer; Hereditary breast and ovarian cancer; Hereditary breast and/or ovarian cancer syndrome; Hereditary breast and ovarian cancer syndrome; Hereditary breast and ovarian cancer syndrome (HBOC). Identifiers: Orphanet 145, MedGen C0677776, MeSH D061325, MONDO:0003582. Disease mechanism: loss of function.

Submission:

Labcorp Genetics (formerly Invitae), Labcorp
Classification: Pathogenic for Hereditary breast ovarian cancer syndrome. Last evaluated: 2022-10-24. Review status: criteria provided, single submitter. Criteria: Invitae Variant Classification Sherloc (09022015). Collection method: clinical testing. Allele origin: germline.
Comment: This variant is a gross deletion of the genomic region encompassing exon(s) 1-22 of the BRCA1 gene, which includes the initiator codon. This deletion extends beyond the assayed region for this gene and therefore may encompass additional genes. It is expected to result in an absent or disrupted protein product. Loss-of-function variants in BRCA1 are known to be pathogenic (PMID: 20104584). A similar copy number variant has been observed in individual(s) with breast and ovarian cancer (PMID: 17026620, 28595730). This variant is also known as deletion of exons 1-23. For these reasons, this variant has been classified as Pathogenic.

Literature cited by the submitters: PubMed 20104584; PubMed 17026620; PubMed 28595730.